The following continues an entry in ClinVar:

NM_022489.4(INF2):c.2630G>A (p.Arg877Gln)

Gene: INF2. ClinVar aggregate classification (germline): Benign. Benign (10).

Submissions 66 to 94 of 94:

Dr. Peter K. Rogan Lab, Western University
No classification provided (evidence only). Condition: Sarcoma. Review status: no classification provided. Collection method: in vitro. Allele origin: not applicable. Functional consequence: retained intron. Not counted in ClinVar's aggregate classification.

Dr. Peter K. Rogan Lab, Western University
No classification provided (evidence only). Condition: Sarcoma. Review status: no classification provided. Collection method: in vitro. Allele origin: not applicable. Functional consequence: retained intron. Not counted in ClinVar's aggregate classification.

Dr. Peter K. Rogan Lab, Western University
No classification provided (evidence only). Condition: Sarcoma. Review status: no classification provided. Collection method: in vitro. Allele origin: not applicable. Functional consequence: retained intron. Not counted in ClinVar's aggregate classification.

Dr. Peter K. Rogan Lab, Western University
No classification provided (evidence only). Condition: Sarcoma. Review status: no classification provided. Collection method: in vitro. Allele origin: not applicable. Functional consequence: retained intron. Not counted in ClinVar's aggregate classification.

Dr. Peter K. Rogan Lab, Western University
No classification provided (evidence only). Condition: Sarcoma. Review status: no classification provided. Collection method: in vitro. Allele origin: not applicable. Functional consequence: retained intron. Not counted in ClinVar's aggregate classification.

Dr. Peter K. Rogan Lab, Western University
No classification provided (evidence only). Condition: Hepatocellular carcinoma. Review status: no classification provided. Collection method: in vitro. Allele origin: not applicable. Functional consequence: retained intron. Not counted in ClinVar's aggregate classification.

Dr. Peter K. Rogan Lab, Western University
No classification provided (evidence only). Condition: Hepatocellular carcinoma. Review status: no classification provided. Collection method: in vitro. Allele origin: not applicable. Functional consequence: retained intron. Not counted in ClinVar's aggregate classification.

Dr. Peter K. Rogan Lab, Western University
No classification provided (evidence only). Condition: Nonpapillary renal cell carcinoma. Review status: no classification provided. Collection method: in vitro. Allele origin: not applicable. Functional consequence: retained intron. Not counted in ClinVar's aggregate classification.

Dr. Peter K. Rogan Lab, Western University
No classification provided (evidence only). Condition: Nonpapillary renal cell carcinoma. Review status: no classification provided. Collection method: in vitro. Allele origin: not applicable. Functional consequence: retained intron. Not counted in ClinVar's aggregate classification.

Dr. Peter K. Rogan Lab, Western University
No classification provided (evidence only). Condition: Nonpapillary renal cell carcinoma. Review status: no classification provided. Collection method: in vitro. Allele origin: not applicable. Functional consequence: retained intron. Not counted in ClinVar's aggregate classification.

Dr. Peter K. Rogan Lab, Western University
No classification provided (evidence only). Condition: Thymoma. Review status: no classification provided. Collection method: in vitro. Allele origin: not applicable. Functional consequence: retained intron. Not counted in ClinVar's aggregate classification.

Dr. Peter K. Rogan Lab, Western University
No classification provided (evidence only). Condition: Thymoma. Review status: no classification provided. Collection method: in vitro. Allele origin: not applicable. Functional consequence: retained intron. Not counted in ClinVar's aggregate classification.

Dr. Peter K. Rogan Lab, Western University
No classification provided (evidence only). Condition: Thymoma. Review status: no classification provided. Collection method: in vitro. Allele origin: not applicable. Functional consequence: retained intron. Not counted in ClinVar's aggregate classification.

Dr. Peter K. Rogan Lab, Western University
No classification provided (evidence only). Condition: Cholangiocarcinoma. Review status: no classification provided. Collection method: in vitro. Allele origin: not applicable. Functional consequence: retained intron. Not counted in ClinVar's aggregate classification.

Dr. Peter K. Rogan Lab, Western University
No classification provided (evidence only). Condition: Cholangiocarcinoma. Review status: no classification provided. Collection method: in vitro. Allele origin: not applicable. Functional consequence: retained intron. Not counted in ClinVar's aggregate classification.

Dr. Peter K. Rogan Lab, Western University
No classification provided (evidence only). Condition: Ovarian serous cystadenocarcinoma. Review status: no classification provided. Collection method: in vitro. Allele origin: not applicable. Functional consequence: retained intron. Not counted in ClinVar's aggregate classification.

Dr. Peter K. Rogan Lab, Western University
No classification provided (evidence only). Condition: Ovarian serous cystadenocarcinoma. Review status: no classification provided. Collection method: in vitro. Allele origin: not applicable. Functional consequence: retained intron. Not counted in ClinVar's aggregate classification.

Dr. Peter K. Rogan Lab, Western University
No classification provided (evidence only). Condition: Ovarian serous cystadenocarcinoma. Review status: no classification provided. Collection method: in vitro. Allele origin: not applicable. Functional consequence: retained intron. Not counted in ClinVar's aggregate classification.

Dr. Peter K. Rogan Lab, Western University
No classification provided (evidence only). Condition: Ovarian serous cystadenocarcinoma. Review status: no classification provided. Collection method: in vitro. Allele origin: not applicable. Functional consequence: retained intron. Not counted in ClinVar's aggregate classification.

Dr. Peter K. Rogan Lab, Western University
No classification provided (evidence only). Condition: Ovarian serous cystadenocarcinoma. Review status: no classification provided. Collection method: in vitro. Allele origin: not applicable. Functional consequence: retained intron. Not counted in ClinVar's aggregate classification.

Dr. Peter K. Rogan Lab, Western University
No classification provided (evidence only). Condition: Ovarian serous cystadenocarcinoma. Review status: no classification provided. Collection method: in vitro. Allele origin: not applicable. Functional consequence: retained intron. Not counted in ClinVar's aggregate classification.

Dr. Peter K. Rogan Lab, Western University
No classification provided (evidence only). Condition: Ovarian serous cystadenocarcinoma. Review status: no classification provided. Collection method: in vitro. Allele origin: not applicable. Functional consequence: retained intron. Not counted in ClinVar's aggregate classification.

Dr. Peter K. Rogan Lab, Western University
No classification provided (evidence only). Condition: Ovarian serous cystadenocarcinoma. Review status: no classification provided. Collection method: in vitro. Allele origin: not applicable. Functional consequence: retained intron. Not counted in ClinVar's aggregate classification.

Dr. Peter K. Rogan Lab, Western University
No classification provided (evidence only). Condition: Adrenocortical carcinoma, hereditary. Review status: no classification provided. Collection method: in vitro. Allele origin: not applicable. Functional consequence: retained intron. Not counted in ClinVar's aggregate classification.

Dr. Peter K. Rogan Lab, Western University
No classification provided (evidence only). Condition: Adrenocortical carcinoma, hereditary. Review status: no classification provided. Collection method: in vitro. Allele origin: not applicable. Functional consequence: retained intron. Not counted in ClinVar's aggregate classification.

Dr. Peter K. Rogan Lab, Western University
No classification provided (evidence only). Condition: Uterine carcinosarcoma. Review status: no classification provided. Collection method: in vitro. Allele origin: not applicable. Functional consequence: retained intron. Not counted in ClinVar's aggregate classification.

Dr. Peter K. Rogan Lab, Western University
No classification provided (evidence only). Condition: Uveal melanoma. Review status: no classification provided. Collection method: in vitro. Allele origin: not applicable. Functional consequence: retained intron. Not counted in ClinVar's aggregate classification.

Dr. Peter K. Rogan Lab, Western University
No classification provided (evidence only). Condition: Malignant tumor of esophagus. Review status: no classification provided. Collection method: in vitro. Allele origin: not applicable. Functional consequence: retained intron. Not counted in ClinVar's aggregate classification.

Genome Diagnostics Laboratory, University Medical Center Utrecht
Classification: Benign. Review status: no assertion criteria provided. Collection method: clinical testing. Allele origin: germline. Affected: yes. Study: VKGL Data-share Consensus. Not counted in ClinVar's aggregate classification.

Literature cited by the submitters: PubMed 23515051 (cited by Mayo Clinic Laboratories, Mayo Clinic).